The following is an entry in ClinVar:

NM_197968.4(ZMYM2):c.1977dup (p.His660fs)

Gene: ZMYM2 (zinc finger MYM-type containing 2; plus strand). Cytogenetic location: 13q12.11.
Variant type: Duplication.
Coding change: c.1977dup on transcript NM_197968.4 (MANE Select); coding-DNA position 1977, one base duplicated (G; older notation c.1977dupG).
Protein change: p.His660fs; shifts the reading frame from histidine 660.
Molecular consequence: frameshift variant. On other transcripts: non-coding transcript variant (1).
Genome position (GRCh38, 1-based): chr13:20,034,262, G duplicated. VCF-style (leftmost placement, unchanged base first): chr13-20034261-T-TG. GRCh37 (hg19) VCF-style: chr13-20608401-T-TG.
Other names: c.1977dup, p.His660fs (NM_001190964.4, NM_001190965.4, NM_001353157.2 and 5 more transcripts); c.1782dup, p.His595fs (NM_001353161.3); c.1716dup, p.His573fs (NM_001353163.2); short protein forms H573fs, H595fs, H660fs.
Identifiers: ClinVar variation 3345893 (VCV003345893.1).

ClinVar aggregate classification (germline): Pathogenic (0 of 4 stars; one submission).

Conditions:
ZMYM2-related disorder. Also called: ZMYM2-related condition.

Submission:

PreventionGenetics, part of Exact Sciences
Classification: Pathogenic for ZMYM2-related condition. Last evaluated: 2024-05-09. Review status: no assertion criteria provided. Collection method: clinical testing. Allele origin: germline.
Comment: The ZMYM2 c.1977dupG variant is predicted to result in a frameshift and premature protein termination (p.His660Alafs*11). To our knowledge, this variant has not been reported in the literature or in a large population database, indicating this variant is rare. Frameshift variants in ZMYM2 are expected to be pathogenic. This variant is interpreted as pathogenic.